The following is an entry in ClinVar:

NC_000019.10:g.(?_47839300)_(47839987_?)del

Gene: CRX (cone-rod homeobox; plus strand). Cytogenetic location: 19q13.33.
Variant type: Deletion.
Identifiers: ClinVar variation 830721 (VCV000830721.1).

ClinVar aggregate classification (germline): Uncertain significance (1 of 4 stars; one submission).

Conditions:
Leber congenital amaurosis 7 (LCA7). Identifiers: Orphanet 65, MedGen C3151192, MONDO:0013449, OMIM 613829.
Cone-rod dystrophy 2 (CORD2). Also called: CONE-ROD RETINAL DYSTROPHY; Cone-rod retinal dystrophy 2. Identifiers: Orphanet 1872, MedGen C3489532, MONDO:0007362, OMIM 120970.

Submission:

Labcorp Genetics (formerly Invitae), Labcorp
Classification: Uncertain significance for Cone-rod dystrophy 2; Leber congenital amaurosis 7. Last evaluated: 2020-01-03. Review status: criteria provided, single submitter. Criteria: Invitae Variant Classification Sherloc (09022015). Collection method: clinical testing. Allele origin: germline.
Comment: This variant is a gross deletion of the genomic region encompassing exon 4 of the CRX gene. The 5' boundary is likely confined to intron 3. The 3' end of this event is unknown as it extends through the termination codon beyond the assayed region for this gene and may encompass additional genes. While this deletion is not anticipated to result in nonsense mediated decay, it is expected to create a truncated protein product or disrupt mRNA translation. This variant has been observed to segregate with autosomal recessive Leber congenital amaurosis (LCA) in a family (PMID: 24265693). However, the father of the affected individuals, who was heterozygous for this variant, had no symptoms of autosomal dominant retinal degeneration. In summary, the available evidence is currently insufficient to determine the role of this variant in disease. Therefore, it has been classified as a Variant of Uncertain Significance.

Literature cited by the submitters: PubMed 24265693.